The following is an entry in ClinVar:

NM_001358530.2(MOCS1):c.1801G>A (p.Ala601Thr)

Gene: MOCS1 (molybdenum cofactor synthesis 1; minus strand). Cytogenetic location: 6p21.2.
Variant type: single nucleotide variant.
Coding change: c.1801G>A on transcript NM_001358530.2 (MANE Select); coding-DNA position 1801, G replaced by A.
Protein change: p.Ala601Thr; replaces alanine 601 with threonine.
Molecular consequence: missense variant. On other transcripts: 3 prime UTR variant (4), non-coding transcript variant (1).
Genome position (GRCh38, 1-based): chr6:39,906,467, C>T on the plus strand (G>A on the coding strand, the complement: MOCS1 is on the minus strand). VCF-style: chr6-39906467-C-T. GRCh37 (hg19) VCF-style: chr6-39874243-C-T.
Other names: c.*658G>A (NM_001075098.4, NM_001358533.2, NM_001358534.2 and 1 more transcripts); c.1753G>A, p.Ala585Thr (NM_001358529.2); c.1540G>A, p.Ala514Thr (NM_001358531.2); short protein forms A514T, A585T, A601T.
Identifiers: ClinVar variation 1481782 (VCV001481782.4), dbSNP rs537163552, ClinGen allele CA3795887.
Genomic context (GRCh38, chr6:39,906,467, plus strand): 5'-TGATCTCCTCCAACACGATGTCCCTGCTGACAGCCTTGCACATGTCATACAGGGTGAGGG[C>T]GGCCACTGCAGCAGAGGTCAGGGCCTCCATCTCCACCCCGGTGGGGCCCCGAGCCCGGCA-3'
Protein context (NP_001345459.1, residues 591-611): MEALTSAAVA[Ala601Thr]LTLYDMCKAV

ClinVar aggregate classification (germline): Uncertain significance. Review status: criteria provided, multiple submitters, no conflicts (2 of 4 stars). 2 submissions from 2 submitters: Uncertain significance (2). Last evaluated 2022-03-29.

Conditions:
Sulfite oxidase deficiency due to molybdenum cofactor deficiency type A. Also called: Molybdenum Cofactor Deficiency A; Molybdenum cofactor deficiency, complementation group A. Identifiers: Orphanet 308386, Orphanet 833, MedGen C1854988, MONDO:0009643, OMIM 252150.

Allele frequency attached by ClinVar (database versions not stated): TOPMed below 0.00001; gnomAD 0.00001; ExAC 0.00007; gnomAD exomes 0.00008; 1000 Genomes Project 30x 0.00016; 1000 Genomes Project 0.00020.
gnomAD v4.1: 44 of 1,613,792 alleles (0.0027%); highest among the groups gnomAD compares: East Asian, 0.0067%; no homozygotes.

Submissions (2):

Fulgent Genetics
Classification: Uncertain significance for Sulfite oxidase deficiency due to molybdenum cofactor deficiency type A. Last evaluated: 2022-03-29. Review status: criteria provided, single submitter. Criteria: ACMG Guidelines, 2015. Collection method: clinical testing. Allele origin: unknown.

Labcorp Genetics (formerly Invitae), Labcorp
Classification: Uncertain significance for Sulfite oxidase deficiency due to molybdenum cofactor deficiency type A. Last evaluated: 2021-09-21. Review status: criteria provided, single submitter. Criteria: Invitae Variant Classification Sherloc (09022015). Collection method: clinical testing. Allele origin: germline.
Comment: This sequence change replaces alanine with threonine at codon 601 of the MOCS1 protein (p.Ala601Thr). The alanine residue is moderately conserved and there is a small physicochemical difference between alanine and threonine. This variant is present in population databases (rs537163552, ExAC 0.05%). This variant has not been reported in the literature in individuals affected with MOCS1-related conditions. Algorithms developed to predict the effect of missense changes on protein structure and function are either unavailable or do not agree on the potential impact of this missense change (SIFT: "Not Available"; PolyPhen-2: "Probably Damaging"; Align-GVGD: "Not Available"). In summary, the available evidence is currently insufficient to determine the role of this variant in disease. Therefore, it has been classified as a Variant of Uncertain Significance.